The following is an entry in ClinVar:

NM_020911.2(PLXNA4):c.5361C>T (p.His1787=)

Gene: PLXNA4 (plexin A4; minus strand). Cytogenetic location: 7q32.3.
Variant type: single nucleotide variant.
Coding change: c.5361C>T on transcript NM_020911.2 (MANE Select); coding-DNA position 5361, C replaced by T.
Protein change: p.His1787=; no amino-acid change (histidine 1787 retained).
Molecular consequence: synonymous variant.
Genome position (GRCh38, 1-based): chr7:132,140,676, G>A on the plus strand (C>T on the coding strand, the complement: PLXNA4 is on the minus strand). VCF-style: chr7-132140676-G-A. GRCh37 (hg19) VCF-style: chr7-131825435-G-A.
Other names: c.5361C>T, p.His1787= (NM_001393897.1).
Identifiers: ClinVar variation 3356248 (VCV003356248.1).

ClinVar aggregate classification (germline): Likely benign (0 of 4 stars; one submission).

Conditions:
PLXNA4-related disorder. Also called: PLXNA4-related condition.

gnomAD v4.1: 1 of 1,614,162 alleles (0.000062%); highest among the groups gnomAD compares: Admixed American, 0.0017%; no homozygotes.

Submission:

PreventionGenetics, part of Exact Sciences
Classification: Likely benign for PLXNA4-related condition. Last evaluated: 2023-04-03. Review status: no assertion criteria provided. Collection method: clinical testing. Allele origin: germline.
Comment: This variant is classified as likely benign based on ACMG/AMP sequence variant interpretation guidelines (Richards et al. 2015 PMID: 25741868, with internal and published modifications).